The following is an entry in ClinVar:

NM_007272.3(CTRC):c.33G>C (p.Leu11Phe)

Gene: CTRC (chymotrypsin C; plus strand). Cytogenetic location: 1p36.21.
Variant type: single nucleotide variant.
Coding change: c.33G>C on transcript NM_007272.3 (MANE Select); coding-DNA position 33, G replaced by C.
Protein change: p.Leu11Phe; replaces leucine 11 with phenylalanine.
Molecular consequence: missense variant.
Genome position (GRCh38, 1-based): chr1:15,438,497, G>C. VCF-style: chr1-15438497-G-C. GRCh37 (hg19) VCF-style: chr1-15764993-G-C.
Other names: short protein forms L11F.
Identifiers: ClinVar variation 1731045 (VCV001731045.2), dbSNP rs2526285382, ClinGen allele CA338563741.

ClinVar aggregate classification (germline): Uncertain significance (1 of 4 stars; one submission).

Conditions:
Hereditary pancreatitis (PCTT). Also called: Hereditary chronic pancreatitis; PRSS1-Related Hereditary Pancreatitis. Identifiers: Orphanet 676, MedGen C0238339, MONDO:0008185, OMIM 167800.

Submission:

Ambry Genetics
Classification: Uncertain significance for Hereditary pancreatitis. Last evaluated: 2021-12-25. Review status: criteria provided, single submitter. Criteria: Ambry Variant Classification Scheme 2023. Collection method: clinical testing. Allele origin: germline.
Comment: The p.L11F variant (also known as c.33G>C), located in coding exon 1 of the CTRC gene, results from a G to C substitution at nucleotide position 33. The leucine at codon 11 is replaced by phenylalanine, an amino acid with highly similar properties. This amino acid position is conserved. In addition, the in silico prediction for this alteration is inconclusive. Since supporting evidence is limited at this time, the clinical significance of this alteration remains unclear.